The following is an entry in ClinVar:

ClinVar aggregate classification (germline): Likely pathogenic (1 of 4 stars; one submission).

Conditions:
Mitochondrial trifunctional protein deficiency. Identifiers: Orphanet 746, MedGen C1969443, MONDO:0012172.

Allele frequency attached by ClinVar (database versions not stated): gnomAD exomes below 0.00001; TOPMed below 0.00001; gnomAD 0.00001.
gnomAD v4.1: 2 of 1,606,632 alleles (0.00012%); highest among the groups gnomAD compares: African/African-American, 0.0027%; no homozygotes.

Submission:

Labcorp Genetics (formerly Invitae), Labcorp
Classification: Likely pathogenic for Mitochondrial trifunctional protein deficiency. Last evaluated: 2025-04-22. Review status: criteria provided, single submitter. Criteria: Invitae Variant Classification Sherloc (09022015). Collection method: clinical testing. Allele origin: germline.
Comment: This sequence change replaces proline, which is neutral and non-polar, with leucine, which is neutral and non-polar, at codon 130 of the HADHB protein (p.Pro130Leu). This variant is not present in population databases (gnomAD no frequency). This missense change has been observed in individual(s) with clinical features of mitochondrial trifunctional protein deficiency (internal data). In at least one individual the data is consistent with being in trans (on the opposite chromosome) from a pathogenic variant. ClinVar contains an entry for this variant (Variation ID: 2418804). Invitae Evidence Modeling of protein sequence and biophysical properties (such as structural, functional, and spatial information, amino acid conservation, physicochemical variation, residue mobility, and thermodynamic stability) indicates that this missense variant is expected to disrupt HADHB protein function with a positive predictive value of 80%. In summary, the currently available evidence indicates that the variant is pathogenic, but additional data are needed to prove that conclusively. Therefore, this variant has been classified as Likely Pathogenic.

NM_000183.3(HADHB):c.389C>T (p.Pro130Leu)

Gene: HADHB (hydroxyacyl-CoA dehydrogenase trifunctional multienzyme complex subunit beta; plus strand). Cytogenetic location: 2p23.3.
Variant type: single nucleotide variant.
Coding change: c.389C>T on transcript NM_000183.3 (MANE Select); coding-DNA position 389, C replaced by T.
Protein change: p.Pro130Leu; replaces proline 130 with leucine.
Molecular consequence: missense variant.
Genome position (GRCh38, 1-based): chr2:26,277,107, C>T. VCF-style: chr2-26277107-C-T. GRCh37 (hg19) VCF-style: chr2-26499975-C-T.
Other names: c.344C>T, p.Pro115Leu (NM_001281512.2); c.323C>T, p.Pro108Leu (NM_001281513.2); short protein forms P108L, P115L, P130L.
Identifiers: ClinVar variation 2418804 (VCV002418804.11), dbSNP rs907003380, ClinGen allele CA44334006.